The following is an entry in ClinVar:

NM_004415.4(DSP):c.1266+5C>T

Gene: DSP (desmoplakin; plus strand). Cytogenetic location: 6p24.3.
Variant type: single nucleotide variant.
Coding change: c.1266+5C>T on transcript NM_004415.4 (MANE Select); 5 bases into the intron after coding-DNA position 1266, C replaced by T.
Molecular consequence: intron variant.
Genome position (GRCh38, 1-based): chr6:7,567,911, C>T. VCF-style: chr6-7567911-C-T. GRCh37 (hg19) VCF-style: chr6-7568144-C-T.
Other names: c.1266+5C>T (NM_001319034.2, NM_001008844.3).
Identifiers: ClinVar variation 918320 (VCV000918320.7), dbSNP rs1052624321, ClinGen allele CA133955827.
Genomic context (GRCh38, chr6:7,567,911, plus strand): 5'-CCTGCGACAAGAACATGCCCCTGCAGCACCTGCTGGAACAGATCAAGGAGCTGGAGGTAT[C>T]GTCTCAGACCCAGAACCTCAGCAGCTGTGCCTGATCAGGGAGATAAAACACATGCCTTGG-3'

ClinVar aggregate classification (germline): Likely benign. Review status: criteria provided, multiple submitters, no conflicts (2 of 4 stars). 3 submissions from 3 submitters: Likely benign (3). Last evaluated 2023-08-15.

Conditions:
Arrhythmogenic cardiomyopathy with wooly hair and keratoderma. Also called: PALMOPLANTAR KERATODERMA WITH LEFT VENTRICULAR CARDIOMYOPATHY AND WOOLLY HAIR; Carvajal syndrome; Dilated cardiomyopathy with woolly hair and keratoderma; Arrhythmogenic cardiomyopathy with woolly hair and keratoderma. Identifiers: Orphanet 65282, MedGen C1854063, MONDO:0011581, OMIM 605676.
Arrhythmogenic right ventricular dysplasia 8 (ARVD8). Also called: Arrhythmogenic Right Ventricular Dysplasia/Cardiomyopathy 8; ARRHYTHMOGENIC RIGHT VENTRICULAR DYSPLASIA, FAMILIAL, 8; ARRHYTHMOGENIC RIGHT VENTRICULAR CARDIOMYOPATHY 8. Identifiers: MedGen C1843896, MONDO:0011831, OMIM 607450.
Cardiomyopathy (CMYO). Also called: Cardiomyopathies. Identifiers: Orphanet 167848, MedGen C0878544, MONDO:0004994, HP:0001638. Inheritance: Various modes of inheritance.

Allele frequency attached by ClinVar (database versions not stated): gnomAD 0.00001; TOPMed 0.00002.
gnomAD v4.1: 7 of 1,613,088 alleles (0.00043%); highest among the groups gnomAD compares: South Asian, 0.0011%; no homozygotes.

Submissions (3):

All of Us Research Program, National Institutes of Health
Classification: Likely benign for Arrhythmogenic cardiomyopathy with wooly hair and keratoderma. Last evaluated: 2023-08-15. Review status: criteria provided, single submitter. Criteria: ACMG Guidelines, 2015. Collection method: clinical testing. Allele origin: germline. Inheritance: Autosomal dominant inheritance. Observed: 1 variant allele, 1 heterozygote.
Comment: This study involves interpretation of variants in research participants for the purpose of population health screening. Participant phenotype was not available at the time of variant classification. Additional details can be found in publication PMID: 35346344, PMCID: PMC8962531

Color Diagnostics, LLC DBA Color Health
Classification: Likely benign for Cardiomyopathy. Last evaluated: 2019-07-27. Review status: criteria provided, single submitter. Criteria: ACMG Guidelines, 2015. Collection method: clinical testing. Allele origin: germline.

Labcorp Genetics (formerly Invitae), Labcorp
Classification: Likely benign for Arrhythmogenic cardiomyopathy with wooly hair and keratoderma; Arrhythmogenic right ventricular dysplasia 8. Last evaluated: 2018-09-28. Review status: criteria provided, single submitter. Criteria: Invitae Variant Classification Sherloc (09022015). Collection method: clinical testing. Allele origin: germline.